The following is an entry in ClinVar:

ClinVar aggregate classification (germline): Uncertain significance (1 of 4 stars; one submission).

Submission:

GeneDx
Classification: Uncertain significance. Last evaluated: 2025-01-30. Review status: criteria provided, single submitter. Criteria: GeneDx Variant Classification Process June 2021. Collection method: clinical testing. Allele origin: germline. Affected: yes.
Comment: Not observed at significant frequency in large population cohorts (gnomAD); In silico analysis supports that this missense variant has a deleterious effect on protein structure/function; Has not been previously published as pathogenic or benign to our knowledge

NM_002547.3(OPHN1):c.755G>T (p.Arg252Met)

Gene: OPHN1 (oligophrenin 1; minus strand). Cytogenetic location: Xq12.
Variant type: single nucleotide variant.
Coding change: c.755G>T on transcript NM_002547.3 (MANE Select); coding-DNA position 755, G replaced by T.
Protein change: p.Arg252Met; replaces arginine 252 with methionine.
Molecular consequence: missense variant.
Genome position (GRCh38, 1-based): chrX:68,210,230, C>A on the plus strand (G>T on the coding strand, the complement: OPHN1 is on the minus strand). VCF-style: chrX-68210230-C-A. GRCh37 (hg19) VCF-style: chrX-67430072-C-A.
Other names: short protein forms R252M.
Identifiers: ClinVar variation 4072623 (VCV004072623.1).